The following is an entry in ClinVar:

NM_020937.4(FANCM):c.1553A>T (p.Lys518Met)

Gene: FANCM (FA complementation group M; plus strand). Cytogenetic location: 14q21.2.
Variant type: single nucleotide variant.
Coding change: c.1553A>T on transcript NM_020937.4 (MANE Select); coding-DNA position 1553, A replaced by T.
Protein change: p.Lys518Met; replaces lysine 518 with methionine.
Molecular consequence: missense variant.
Genome position (GRCh38, 1-based): chr14:45,159,252, A>T. VCF-style: chr14-45159252-A-T. GRCh37 (hg19) VCF-style: chr14-45628455-A-T.
Other names: c.1553A>T, p.Lys518Met (NM_001308134.2); c.1475A>T, p.Lys492Met (NM_001308133.2); short protein forms K492M, K518M.
Identifiers: ClinVar variation 4841724 (VCV004841724.1).
Genomic context (GRCh38, chr14:45,159,252, plus strand): 5'-AGCATCAGCCAATTATTAGAGTAATGACTTTTGTCGGCCATGCCTCAGGGAAAAGCACGA[A>T]GGGTTTTACCCAGAAGGAGCAACTGGAGGTAATTATTTTTGGAATTGATAAAAATAAAAA-3'
Protein context (NP_065988.1, residues 508-528): FVGHASGKST[Lys518Met]GFTQKEQLEV

ClinVar aggregate classification (germline): Uncertain significance (1 of 4 stars; one submission).

Conditions:
Inborn genetic diseases. Identifiers: MedGen C0950123, MeSH D030342.

gnomAD v4.1: 2 of 1,613,482 alleles (0.00012%); highest among the groups gnomAD compares: African/African-American, 0.0027%; no homozygotes.

Submission:

Ambry Genetics
Classification: Uncertain significance for Inborn genetic diseases. Last evaluated: 2025-12-16. Review status: criteria provided, single submitter. Criteria: Ambry Variant Classification Scheme 2023. Collection method: clinical testing. Allele origin: germline.
Comment: The p.K518M variant (also known as c.1553A>T), located in coding exon 9 of the FANCM gene, results from an A to T substitution at nucleotide position 1553. The lysine at codon 518 is replaced by methionine, an amino acid with similar properties. This amino acid position is conserved. In addition, the in silico prediction for this alteration is inconclusive. Based on the available evidence, the clinical significance of this variant remains unclear.